The following is an entry in ClinVar:

NM_000478.6(ALPL):c.542C>G (p.Ser181Trp)

Gene: ALPL (alkaline phosphatase, biomineralization associated; plus strand). Cytogenetic location: 1p36.12.
Variant type: single nucleotide variant.
Coding change: c.542C>G on transcript NM_000478.6 (MANE Select); coding-DNA position 542, C replaced by G.
Protein change: p.Ser181Trp; replaces serine 181 with tryptophan.
Molecular consequence: missense variant.
Genome position (GRCh38, 1-based): chr1:21,564,110, C>G. VCF-style: chr1-21564110-C-G. GRCh37 (hg19) VCF-style: chr1-21890603-C-G.
Other names: c.377C>G, p.Ser126Trp (NM_001127501.4); c.311C>G, p.Ser104Trp (NM_001177520.3); c.542C>G, p.Ser181Trp (NM_001369803.2, NM_001369804.2, NM_001369805.2); short protein forms S104W, S126W, S181W.
Identifiers: ClinVar variation 1327158 (VCV001327158.7), dbSNP rs199590449, ClinGen allele CA338877960.

ClinVar aggregate classification (germline): Likely pathogenic. Review status: criteria provided, multiple submitters, no conflicts (2 of 4 stars). 3 submissions from 3 submitters: Likely pathogenic (3). Last evaluated 2026-08-18.

Conditions:
Hypophosphatasia. Also called: Phosphoethanol-aminuria. Identifiers: Orphanet 436, MedGen C0020630, MeSH D007014, MONDO:0018570.

Submissions (3):

GeneDx
Classification: Likely pathogenic. Last evaluated: 2026-08-18. Review status: criteria provided, single submitter. Criteria: GeneDx Variant Classification Process June 2021. Collection method: clinical testing. Allele origin: germline.
Comment: Reported in heterozgyous state in a patient with low alkaline phosphatase levels who also had a diagnosis of Prader-Willi syndrome and Ebstein's anomaly (PMID: 39502852); In silico analysis supports that this missense variant has a deleterious effect on protein structure/function; Not observed at significant frequency in large population cohorts (gnomAD); This variant is associated with the following publications: (PMID: 28127875, 17253930, 21956185, 39502852)

Genomenon, Inc
Classification: Likely pathogenic for Hypophosphatasia. Last evaluated: 2025-08-29. Review status: criteria provided, single submitter. Criteria: Genomenon Sequence Variant Interpretation Standards. Collection method: curation. Allele origin: germline. Affected: yes.
Comment: ALPL c.542C>G is a missense variant that changes the amino acid at residue 181 from Serine to Tryptophan. This variant has been observed in at least one proband affected with hypophosphatasia (PMID:39502852). It is absent or not present at a significant frequency in gnomAD. In silico models agree that this variant is possibly or probably damaging. The presence of pathogenic missense variant(s) at the same amino acid position indicates that this residue is likely important for protein function. In conclusion, we classify p.Ser181Trp (c.542C>G) as a likely pathogenic variant.

Labcorp Genetics (formerly Invitae), Labcorp
Classification: Likely pathogenic. Last evaluated: 2025-01-23. Review status: criteria provided, single submitter. Criteria: Invitae Variant Classification Sherloc (09022015). Collection method: clinical testing. Allele origin: germline.
Comment: This sequence change replaces serine, which is neutral and polar, with tryptophan, which is neutral and slightly polar, at codon 181 of the ALPL protein (p.Ser181Trp). This variant is not present in population databases (gnomAD no frequency). This variant has not been reported in the literature in individuals affected with ALPL-related conditions. ClinVar contains an entry for this variant (Variation ID: 1327158). Invitae Evidence Modeling of protein sequence and biophysical properties (such as structural, functional, and spatial information, amino acid conservation, physicochemical variation, residue mobility, and thermodynamic stability) indicates that this missense variant is expected to disrupt ALPL protein function with a positive predictive value of 95%. This variant disrupts the p.Ser181 amino acid residue in ALPL. Other variant(s) that disrupt this residue have been determined to be pathogenic (PMID: 11479741, 16583935, 17253930, 32160374). This suggests that this residue is clinically significant, and that variants that disrupt this residue are likely to be disease-causing. In summary, the currently available evidence indicates that the variant is pathogenic, but additional data are needed to prove that conclusively. Therefore, this variant has been classified as Likely Pathogenic.

Literature cited by the submitters: PubMed 39502852 (cited by Genomenon, Inc); PubMed 11479741 (cited by Labcorp Genetics (formerly Invitae), Labcorp); PubMed 16583935 (cited by Labcorp Genetics (formerly Invitae), Labcorp); PubMed 17253930 (cited by Labcorp Genetics (formerly Invitae), Labcorp); PubMed 32160374 (cited by Labcorp Genetics (formerly Invitae), Labcorp).